The following is an entry in ClinVar:

ClinVar aggregate classification (germline): Conflicting classifications of pathogenicity. Review status: criteria provided, conflicting classifications (1 of 4 stars). 2 submissions from 2 submitters: Uncertain significance (1); Likely benign (1). Last evaluated 2025-08-21.

Conditions:
Hereditary cancer-predisposing syndrome. Also called: Hereditary Cancer Syndrome; Tumor predisposition; Hereditary neoplastic syndrome; Neoplastic Syndromes, Hereditary. Identifiers: Orphanet 140162, MedGen C0027672, MeSH D009386, MONDO:0015356.

Allele frequency attached by ClinVar (database versions not stated): gnomAD exomes below 0.00001; ExAC 0.00001.
gnomAD v4.1: 3 of 1,610,880 alleles (0.00019%); highest among the groups gnomAD compares: South Asian, 0.0033%; no homozygotes.

Submissions (2):

Ambry Genetics
Classification: Likely benign for Hereditary cancer-predisposing syndrome. Last evaluated: 2025-08-21. Review status: criteria provided, single submitter. Criteria: Ambry Variant Classification Scheme 2023. Collection method: clinical testing. Allele origin: germline.

Labcorp Genetics (formerly Invitae), Labcorp
Classification: Uncertain significance. Last evaluated: 2022-07-14. Review status: criteria provided, single submitter. Criteria: Invitae Variant Classification Sherloc (09022015). Collection method: clinical testing. Allele origin: germline.
Comment: In summary, the available evidence is currently insufficient to determine the role of this variant in disease. Therefore, it has been classified as a Variant of Uncertain Significance. ClinVar contains an entry for this variant (Variation ID: 1043722). This variant has not been reported in the literature in individuals affected with POLE-related conditions. This variant is present in population databases (rs760235113, gnomAD 0.003%). This sequence change replaces glycine, which is neutral and non-polar, with alanine, which is neutral and non-polar, at codon 1755 of the POLE protein (p.Gly1755Ala). Algorithms developed to predict the effect of missense changes on protein structure and function (SIFT, PolyPhen-2, Align-GVGD) all suggest that this variant is likely to be tolerated.

NM_006231.4(POLE):c.5264G>C (p.Gly1755Ala)

Gene: POLE (DNA polymerase epsilon, catalytic subunit; minus strand). Cytogenetic location: 12q24.33.
Variant type: single nucleotide variant.
Coding change: c.5264G>C on transcript NM_006231.4 (MANE Select); coding-DNA position 5264, G replaced by C.
Protein change: p.Gly1755Ala; replaces glycine 1755 with alanine.
Molecular consequence: missense variant.
Genome position (GRCh38, 1-based): chr12:132,641,761, C>G on the plus strand (G>C on the coding strand, the complement: POLE is on the minus strand). VCF-style: chr12-132641761-C-G. GRCh37 (hg19) VCF-style: chr12-133218347-C-G.
Other names: c.5264G>C (NM_006231.2); short protein forms G1755A.
Identifiers: ClinVar variation 1043722 (VCV001043722.9), dbSNP rs760235113, ClinGen allele CA6892581.